The following is an entry in ClinVar:

ClinVar aggregate classification (germline): Uncertain significance. Review status: criteria provided, multiple submitters, no conflicts (2 of 4 stars). 2 submissions from 2 submitters: Uncertain significance (2). Last evaluated 2025-12-09.

Conditions:
Inborn genetic diseases. Identifiers: MedGen C0950123, MeSH D030342.

gnomAD v4.1: 5 of 1,614,052 alleles (0.00031%); highest among the groups gnomAD compares: Admixed American, 0.0033%; no homozygotes.

Submissions (2):

Ambry Genetics
Classification: Uncertain significance for Inborn genetic diseases. Last evaluated: 2025-12-09. Review status: criteria provided, single submitter. Criteria: Ambry Variant Classification Scheme 2023. Collection method: clinical testing. Allele origin: germline.

Dasa
Classification: Uncertain significance. Last evaluated: 2024-10-15. Review status: criteria provided, single submitter. Criteria: DASA Assertion Criteria. Collection method: clinical testing. Allele origin: germline.
Comment: NM_005559.4(LAMA1):c.1529A>T (p.Asp510Val) is a missense variant that results in the substitution of aspartic acid with valine. This variant is rare in population databases. Computational prediction algorithms are consistent with a benign effect. The currently available literature and clinical evidence are not sufficient to establish a definitive association between this variant and the reported condition. Therefore, this variant is classified as a variant of uncertain significance.

NM_005559.4(LAMA1):c.1529A>T (p.Asp510Val)

Genes: LAMA1 (laminin subunit alpha 1; minus strand), LOC112543434 (P300/CBP strongly-dependent group 1 enhancer GRCh37_chr18:7038146-7039345; plus strand). Cytogenetic location: 18p11.31.
Variant type: single nucleotide variant.
Coding change: c.1529A>T on transcript NM_005559.4 (MANE Select); coding-DNA position 1529, A replaced by T.
Protein change: p.Asp510Val; replaces aspartic acid 510 with valine.
Molecular consequence: missense variant.
Genome position (GRCh38, 1-based): chr18:7,038,844, T>A on the plus strand (A>T on the coding strand, the complement: LAMA1 is on the minus strand). VCF-style: chr18-7038844-T-A. GRCh37 (hg19) VCF-style: chr18-7038843-T-A.
Other names: short protein forms D510V.
Identifiers: ClinVar variation 4623347 (VCV004623347.3).
Genomic context (GRCh38, chr18:7,038,844, plus strand): 5'-CCCGCCGCGCAGATGGCGCCTCCCACCTGACCAACAGGCCAAGAGAGGCTGCTGCAGACA[T>A]CAGAAACGCCAAAGCAGAAGCACTCGGAGCAGCCCCGGGGGTTTTTTTCCTTCAAGTTAT-3'
Protein context (NP_005550.2, residues 500-520): CSECFCFGVS[Asp510Val]VCSSLSWPVG